The following is an entry in ClinVar:

NM_024675.4(PALB2):c.1905G>A (p.Val635=)

Gene: PALB2 (partner and localizer of BRCA2; minus strand). Cytogenetic location: 16p12.2.
Variant type: single nucleotide variant.
Coding change: c.1905G>A on transcript NM_024675.4 (MANE Select); coding-DNA position 1905, G replaced by A.
Protein change: p.Val635=; no amino-acid change (valine 635 retained).
Molecular consequence: synonymous variant.
Genome position (GRCh38, 1-based): chr16:23,630,249, C>T on the plus strand (G>A on the coding strand, the complement: PALB2 is on the minus strand). VCF-style: chr16-23630249-C-T. GRCh37 (hg19) VCF-style: chr16-23641570-C-T.
Identifiers: ClinVar variation 830149 (VCV000830149.4), dbSNP rs1966864000, ClinGen allele CA494461185.
Genomic context (GRCh38, chr16:23,630,249, plus strand): 5'-AAAAATACAGCTTCCCTCTTTAAGATGTCTCTCTCCAAACATTTTTGACTCAAAGGGCTC[C>T]ACTGGTTTTTCTGAGCAGGACTTCACTTTTTCAAGCTTAAGAGGTCCAAAGTCTTCATCA-3'
Protein context (NP_078951.2, residues 625-645): EKVKSCSEKP[Val635=]EPFESKMFGE

ClinVar aggregate classification (germline): Benign/Likely benign. Review status: criteria provided, multiple submitters, no conflicts (2 of 4 stars). 3 submissions from 3 submitters: Benign (1); Likely benign (1). 1 of the submissions does not count toward it. Last evaluated 2025-01-14.

Conditions:
Hereditary cancer-predisposing syndrome. Also called: Hereditary neoplastic syndrome; Neoplastic Syndromes, Hereditary; Tumor predisposition; Hereditary Cancer Syndrome. Identifiers: Orphanet 140162, MedGen C0027672, MeSH D009386, MONDO:0015356.
Familial cancer of breast. Also called: BREAST CANCER, FAMILIAL; Hereditary breast cancer; hereditary breast carcinoma. Identifiers: Orphanet 227535, MedGen C0346153, MONDO:0016419, OMIM 114480. Disease mechanism: loss of function.

Submissions (3):

Myriad Genetics, Inc.
Classification: Benign for Familial cancer of breast. Last evaluated: 2025-01-14. Review status: criteria provided, single submitter. Criteria: Myriad Autosomal Dominant, Autosomal Recessive and X-Linked Classification Criteria (2023). Collection method: clinical testing. Allele origin: unknown.
Comment: This variant is considered benign. This variant is a silent/synonymous amino acid change and it is not expected to impact splicing.

Color Diagnostics, LLC DBA Color Health
Classification: Likely benign for Hereditary cancer-predisposing syndrome. Last evaluated: 2019-08-20. Review status: criteria provided, single submitter. Criteria: ACMG Guidelines, 2015. Collection method: clinical testing. Allele origin: germline.

Leiden Open Variation Database
Classification: Uncertain significance. Last evaluated: 2018-08-25. Review status: no assertion criteria provided. Collection method: curation. Allele origin: germline. Affected: yes. Not counted in ClinVar's aggregate classification.
Comment: Curators: Marc Tischkowitz, Arleen D. Auerbach. Submitter to LOVD: Yukihide Momozawa.

Literature cited by the submitters: PubMed 30287823 (cited by Leiden Open Variation Database).